The following is an entry in ClinVar:

ClinVar aggregate classification (germline): Likely benign (0 of 4 stars; one submission).

Conditions:
DAAM2-related disorder. Also called: DAAM2-related condition.

Allele frequency attached by ClinVar (database versions not stated): gnomAD 0.00002; gnomAD exomes 0.00002; ExAC 0.00010; 1000 Genomes Project 30x 0.00016; 1000 Genomes Project 0.00020.
gnomAD v4.1: 31 of 1,551,498 alleles (0.002%); highest among the groups gnomAD compares: African/African-American, 0.0027%; no homozygotes.

Submission:

PreventionGenetics, part of Exact Sciences
Classification: Likely benign for DAAM2-related condition. Last evaluated: 2021-09-03. Review status: no assertion criteria provided. Collection method: clinical testing. Allele origin: germline.
Comment: This variant is classified as likely benign based on ACMG/AMP sequence variant interpretation guidelines (Richards et al. 2015 PMID: 25741868, with internal and published modifications).

NM_001201427.2(DAAM2):c.993C>T (p.Phe331=)

Gene: DAAM2 (dishevelled associated activator of morphogenesis 2; plus strand). Cytogenetic location: 6p21.2.
Variant type: single nucleotide variant.
Coding change: c.993C>T on transcript NM_001201427.2 (MANE Select); coding-DNA position 993, C replaced by T.
Protein change: p.Phe331=; no amino-acid change (phenylalanine 331 retained).
Molecular consequence: synonymous variant.
Genome position (GRCh38, 1-based): chr6:39,871,521, C>T. VCF-style: chr6-39871521-C-T. GRCh37 (hg19) VCF-style: chr6-39839297-C-T.
Other names: c.993C>T, p.Phe331= (NM_015345.4).
Identifiers: ClinVar variation 3032377 (VCV003032377.2), dbSNP rs531101009, ClinGen allele CA3794838.